The following is an entry in ClinVar:

ClinVar aggregate classification (germline): Likely benign (1 of 4 stars; one submission).

Conditions:
PLXNA1-related disorder. Also called: PLXNA1-related condition.

gnomAD v4.1: 27 of 1,614,096 alleles (0.0017%); highest among the groups gnomAD compares: African/African-American, 0.0027%; no homozygotes.

Submission:

PreventionGenetics, part of Exact Sciences
Classification: Likely benign for PLXNA1-related condition. Last evaluated: 2025-09-10. Review status: criteria provided, single submitter. Criteria: ACMG Guidelines, 2015. Collection method: clinical testing. Allele origin: germline.
Comment: This variant is classified as likely benign based on ACMG/AMP sequence variant interpretation guidelines (Richards et al. 2015 PMID: 25741868, with internal and published modifications).

NM_032242.4(PLXNA1):c.5310C>T (p.Asp1770=)

Gene: PLXNA1 (plexin A1; plus strand). Cytogenetic location: 3q21.3.
Variant type: single nucleotide variant.
Coding change: c.5310C>T on transcript NM_032242.4 (MANE Select); coding-DNA position 5310, C replaced by T.
Protein change: p.Asp1770=; no amino-acid change (aspartic acid 1770 retained).
Molecular consequence: synonymous variant.
Genome position (GRCh38, 1-based): chr3:127,032,465, C>T. VCF-style: chr3-127032465-C-T. GRCh37 (hg19) VCF-style: chr3-126751308-C-T.
Identifiers: ClinVar variation 4978597 (VCV004978597.1).